The following is an entry in ClinVar:

ClinVar aggregate classification (germline): Uncertain significance (1 of 4 stars; one submission).

Allele frequency attached by ClinVar (database versions not stated): TOPMed 0.00001.
gnomAD v4.1: 7 of 1,614,142 alleles (0.00043%); highest among the groups gnomAD compares: African/African-American, 0.0027%; no homozygotes.

Submission:

Labcorp Genetics (formerly Invitae), Labcorp
Classification: Uncertain significance. Last evaluated: 2024-10-07. Review status: criteria provided, single submitter. Criteria: Invitae Variant Classification Sherloc (09022015). Collection method: clinical testing. Allele origin: germline.
Comment: This sequence change replaces arginine, which is basic and polar, with cysteine, which is neutral and slightly polar, at codon 112 of the WNT2B protein (p.Arg112Cys). This variant is not present in population databases (gnomAD no frequency). This variant has not been reported in the literature in individuals affected with WNT2B-related conditions. ClinVar contains an entry for this variant (Variation ID: 2178300). An algorithm developed to predict the effect of missense changes on protein structure and function (PolyPhen-2) suggests that this variant is likely to be tolerated. In summary, the available evidence is currently insufficient to determine the role of this variant in disease. Therefore, it has been classified as a Variant of Uncertain Significance.

NM_024494.3(WNT2B):c.334C>T (p.Arg112Cys)

Gene: WNT2B (Wnt family member 2B; plus strand). Cytogenetic location: 1p13.2.
Variant type: single nucleotide variant.
Coding change: c.334C>T on transcript NM_024494.3 (MANE Select); coding-DNA position 334, C replaced by T.
Protein change: p.Arg112Cys; replaces arginine 112 with cysteine.
Molecular consequence: missense variant.
Genome position (GRCh38, 1-based): chr1:112,515,025, C>T. VCF-style: chr1-112515025-C-T. GRCh37 (hg19) VCF-style: chr1-113057647-C-T.
Other names: c.58C>T, p.Arg20Cys (NM_001291880.1); c.277C>T, p.Arg93Cys (NM_004185.4); short protein forms R93C, R20C, R112C.
Identifiers: ClinVar variation 2178300 (VCV002178300.3), dbSNP rs1398599303, ClinGen allele CA341652785.